The following is an entry in ClinVar:

ClinVar aggregate classification (germline): Benign/Likely benign. Review status: criteria provided, multiple submitters, no conflicts (2 of 4 stars). 5 submissions from 5 submitters: Benign (1); Likely benign (2). 2 of the submissions do not count toward it. Last evaluated 2025-11-25.

Conditions:
X-linked Alport syndrome (ATS1). Also called: COL4A5-Related Nephropathy; NEPHROPATHY AND DEAFNESS, X-LINKED. Identifiers: Orphanet 63, Orphanet 88917, MedGen C4746986, MONDO:0010520, OMIM 301050.
COL4A5-related disorder. Also called: COL4A5-related condition.

Allele frequency attached by ClinVar (database versions not stated): gnomAD 0.00006 and 0.00007; TOPMed 0.00012; ESP Exome Variant Server 0.00028.
gnomAD v4.1: 83 of 1,206,294 alleles (0.0069%); highest among the groups gnomAD compares: South Asian, 0.025%; no homozygotes.

Submissions (5):

Labcorp Genetics (formerly Invitae), Labcorp
Classification: Benign. Last evaluated: 2025-11-25. Review status: criteria provided, single submitter. Criteria: Invitae Variant Classification Sherloc (09022015). Collection method: clinical testing. Allele origin: germline.

Blueprint Genetics
Classification: Likely benign. Last evaluated: 2024-08-13. Review status: criteria provided, single submitter. Criteria: ACMG Guidelines, 2015. Collection method: clinical testing. Allele origin: germline.

Fulgent Genetics
Classification: Likely benign for X-linked Alport syndrome. Last evaluated: 2021-09-08. Review status: criteria provided, single submitter. Criteria: ACMG Guidelines, 2015. Collection method: clinical testing. Allele origin: unknown.

PreventionGenetics, part of Exact Sciences
Classification: Likely benign for COL4A5-related condition. Last evaluated: 2021-10-21. Review status: no assertion criteria provided. Collection method: clinical testing. Allele origin: germline. Not counted in ClinVar's aggregate classification.
Comment: This variant is classified as likely benign based on ACMG/AMP sequence variant interpretation guidelines (Richards et al. 2015 PMID: 25741868, with internal and published modifications).

Natera, Inc.
Classification: Likely benign for X-linked Alport syndrome. Last evaluated: 2020-08-31. Review status: no assertion criteria provided. Collection method: clinical testing. Allele origin: germline. Not counted in ClinVar's aggregate classification.

NM_033380.3(COL4A5):c.3247-10G>A

Gene: COL4A5 (collagen type IV alpha 5 chain; plus strand). Cytogenetic location: Xq22.3.
Variant type: single nucleotide variant.
Coding change: c.3247-10G>A on transcript NM_033380.3 (MANE Select); 10 bases into the intron before coding-DNA position 3247, G replaced by A.
Molecular consequence: intron variant.
Genome position (GRCh38, 1-based): chrX:108,655,321, G>A. VCF-style: chrX-108655321-G-A. GRCh37 (hg19) VCF-style: chrX-107898551-G-A.
Other names: c.3247-10G>A (NM_000495.5).
Identifiers: ClinVar variation 707214 (VCV000707214.16), dbSNP rs369817184, ClinGen allele CA10489081.